The following is an entry in ClinVar:

ClinVar aggregate classification (germline): Likely benign. Review status: criteria provided, multiple submitters, no conflicts (2 of 4 stars). 3 submissions from 3 submitters: Likely benign (3). Last evaluated 2026-01-04.

Conditions:
Inborn genetic diseases. Identifiers: MedGen C0950123, MeSH D030342.

Allele frequency attached by ClinVar (database versions not stated): ExAC 0.00010; ESP Exome Variant Server 0.00024; gnomAD 0.00030.
gnomAD v4.1: 74 of 1,609,572 alleles (0.0046%); highest among the groups gnomAD compares: African/African-American, 0.079%; no homozygotes.

Submissions (3):

Labcorp Genetics (formerly Invitae), Labcorp
Classification: Likely benign. Last evaluated: 2026-01-04. Review status: criteria provided, single submitter. Criteria: Invitae Variant Classification Sherloc (09022015). Collection method: clinical testing. Allele origin: germline.

Ambry Genetics
Classification: Likely benign for Inborn genetic diseases. Last evaluated: 2024-07-02. Review status: criteria provided, single submitter. Criteria: Ambry Variant Classification Scheme 2023. Collection method: clinical testing. Allele origin: germline.

CeGaT Center for Human Genetics Tuebingen
Classification: Likely benign. Last evaluated: 2023-04-01. Review status: criteria provided, single submitter. Criteria: CeGaT Center For Human Genetics Tuebingen Variant Classification Criteria Version 2. Collection method: clinical testing. Allele origin: germline. Affected: yes. Observed: 1 variant allele.
Comment: FRAS1: BP4, BP7

NM_025074.7(FRAS1):c.3900C>T (p.Ser1300=)

Gene: FRAS1 (Fraser extracellular matrix complex subunit 1; plus strand). Cytogenetic location: 4q21.21.
Variant type: single nucleotide variant.
Coding change: c.3900C>T on transcript NM_025074.7 (MANE Select); coding-DNA position 3900, C replaced by T.
Protein change: p.Ser1300=; no amino-acid change (serine 1300 retained).
Molecular consequence: synonymous variant.
Genome position (GRCh38, 1-based): chr4:78,387,626, C>T. VCF-style: chr4-78387626-C-T. GRCh37 (hg19) VCF-style: chr4-79308780-C-T.
Other names: c.3900C>T (NM_025074.6); c.3900C>T, p.Ser1300= (NM_001166133.2).
Identifiers: ClinVar variation 2183400 (VCV002183400.29), dbSNP rs10002465, ClinGen allele CA2977042.